The following is an entry in ClinVar:

ClinVar aggregate classification (germline): Uncertain significance (1 of 4 stars; one submission).

gnomAD v4.1: 5 of 1,614,030 alleles (0.00031%); highest among the groups gnomAD compares: Non-Finnish European, 0.00034%; no homozygotes.

Submission:

Labcorp Genetics (formerly Invitae), Labcorp
Classification: Uncertain significance. Last evaluated: 2021-07-26. Review status: criteria provided, single submitter. Criteria: Invitae Variant Classification Sherloc (09022015). Collection method: clinical testing. Allele origin: germline.
Comment: In summary, the available evidence is currently insufficient to determine the role of this variant in disease. Therefore, it has been classified as a Variant of Uncertain Significance. Algorithms developed to predict the effect of missense changes on protein structure and function output the following: SIFT: "Tolerated"; PolyPhen-2: "Probably Damaging"; Align-GVGD: "Class C0". The methionine amino acid residue is found in multiple mammalian species, which suggests that this missense change does not adversely affect protein function. This variant has not been reported in the literature in individuals affected with DZIP1L-related conditions. This variant is not present in population databases (ExAC no frequency). This sequence change replaces valine with methionine at codon 71 of the DZIP1L protein (p.Val71Met). The valine residue is moderately conserved and there is a small physicochemical difference between valine and methionine.

NM_173543.3(DZIP1L):c.211G>A (p.Val71Met)

Gene: DZIP1L (DAZ interacting zinc finger protein 1 like; minus strand). Cytogenetic location: 3q22.3.
Variant type: single nucleotide variant.
Coding change: c.211G>A on transcript NM_173543.3 (MANE Select); coding-DNA position 211, G replaced by A.
Protein change: p.Val71Met; replaces valine 71 with methionine.
Molecular consequence: missense variant.
Genome position (GRCh38, 1-based): chr3:138,103,761, C>T on the plus strand (G>A on the coding strand, the complement: DZIP1L is on the minus strand). VCF-style: chr3-138103761-C-T. GRCh37 (hg19) VCF-style: chr3-137822603-C-T.
Other names: c.211G>A, p.Val71Met (NM_001170538.1); short protein forms V71M.
Identifiers: ClinVar variation 1491307 (VCV001491307.8), dbSNP rs1301243905, ClinGen allele CA354682034.